The following is an entry in ClinVar:

NM_004991.4(MECOM):c.3115A>C (p.Ile1039Leu)

Gene: MECOM (MDS1 and EVI1 complex locus; minus strand). Cytogenetic location: 3q26.2.
Variant type: single nucleotide variant.
Coding change: c.3115A>C on transcript NM_004991.4 (MANE Select); coding-DNA position 3115, A replaced by C.
Protein change: p.Ile1039Leu; replaces isoleucine 1039 with leucine.
Molecular consequence: missense variant.
Genome position (GRCh38, 1-based): chr3:169,093,007, T>G on the plus strand (A>C on the coding strand, the complement: MECOM is on the minus strand). VCF-style: chr3-169093007-T-G. GRCh37 (hg19) VCF-style: chr3-168810795-T-G.
Other names: c.2746A>C, p.Ile916Leu (NM_001105077.4); c.2551A>C, p.Ile851Leu (NM_001105078.4, NM_001205194.2, NM_001366469.2 and 1 more transcripts); c.2527A>C, p.Ile843Leu (NM_001163999.2, NM_001366470.2); c.2524A>C, p.Ile842Leu (NM_001164000.2, NM_001366471.2, NM_001366472.2); c.3088A>C, p.Ile1030Leu (NM_001366466.2); c.2554A>C, p.Ile852Leu (NM_001366467.2, NM_001366468.2); c.2116A>C, p.Ile706Leu (NM_001366473.2); c.1552A>C, p.Ile518Leu (NM_001366474.2); short protein forms I1030L, I843L, I842L, I518L, I706L, I851L, I916L, I1039L.
Identifiers: ClinVar variation 2867096 (VCV002867096.3), dbSNP rs2549182240, ClinGen allele CA355072093.
Genomic context (GRCh38, chr3:169,093,007, plus strand): 5'-GACAGCTTTACCTCTCCTCCACATTCCTGGGAGATTGGCTGCCATGGTTGCTGTTCCCAA[T>G]GAAATTTCGAATTTCTGTGAAGTAAGCATCTTCTTTGTCATCCAGAATCGCACCTGTACT-3'
Protein context (NP_004982.2, residues 1029-1049): DAYFTEIRNF[Ile1039Leu]GNSNHGSQSP

ClinVar aggregate classification (germline): Uncertain significance (1 of 4 stars; one submission).

Submission:

Labcorp Genetics (formerly Invitae), Labcorp
Classification: Uncertain significance. Last evaluated: 2023-05-22. Review status: criteria provided, single submitter. Criteria: Invitae Variant Classification Sherloc (09022015). Collection method: clinical testing. Allele origin: germline.
Comment: This variant is not present in population databases (gnomAD no frequency). This sequence change replaces isoleucine, which is neutral and non-polar, with leucine, which is neutral and non-polar, at codon 851 of the MECOM protein (p.Ile851Leu). This variant has not been reported in the literature in individuals affected with MECOM-related conditions. In summary, the available evidence is currently insufficient to determine the role of this variant in disease. Therefore, it has been classified as a Variant of Uncertain Significance. An algorithm developed to predict the effect of missense changes on protein structure and function (PolyPhen-2) suggests that this variant is likely to be disruptive.